The following is an entry in ClinVar:

NM_001143981.2(CHRDL1):c.541+3A>G

Gene: CHRDL1 (chordin like 1; minus strand). Cytogenetic location: Xq23.
Variant type: single nucleotide variant.
Coding change: c.541+3A>G on transcript NM_001143981.2 (MANE Select); 3 bases into the intron after coding-DNA position 541, A replaced by G.
Molecular consequence: intron variant.
Genome position (GRCh38, 1-based): chrX:110,719,832, T>C on the plus strand (A>G on the coding strand, the complement: CHRDL1 is on the minus strand). VCF-style: chrX-110719832-T-C. GRCh37 (hg19) VCF-style: chrX-109963060-T-C.
Other names: c.302-19111A>G (NM_001143983.3); c.538+3A>G (NM_001367207.1, NM_001143982.2, NM_145234.4); c.541+3A>G (NM_001367208.1, NM_001367206.1, NM_001367205.1 and 2 more transcripts).
Identifiers: ClinVar variation 4072308 (VCV004072308.1).

ClinVar aggregate classification (germline): Uncertain significance (1 of 4 stars; one submission).

Conditions:
Isolated congenital megalocornea (MGC1). Identifiers: Orphanet 91489, MedGen C4518341, MONDO:0010649, OMIM 309300.

Submission:

3billion
Classification: Uncertain significance for Isolated congenital megalocornea. Last evaluated: 2025-03-14. Review status: criteria provided, single submitter. Criteria: ACMG Guidelines, 2015. Collection method: clinical testing. Allele origin: germline. Affected: yes.
Comment: The variant is not observed in the gnomAD v4.1.0 dataset. Predicted Consequence/Location: Intron variant. In silico tools predict the variant to alter splicing and produce an abnormal transcript [SpliceAI: 0.27 (>=0.2, moderate evidence for spliceogenicity)]. Therefore, this variant is classified as VUS according to the recommendation of ACMG/AMP guideline.